The following is an entry in ClinVar:

ClinVar aggregate classification (germline): Conflicting classifications of pathogenicity. Review status: criteria provided, conflicting classifications (1 of 4 stars). 4 submissions from 4 submitters: Uncertain significance (3); Likely benign (1). Last evaluated 2024-11-24.

Conditions:
Intellectual disability, autosomal dominant 16 (CSS4). Also called: COFFIN-SIRIS SYNDROME 4. Identifiers: Orphanet 1465, MedGen C3553249, MONDO:0013821, OMIM 614609.
Hereditary cancer-predisposing syndrome. Also called: Hereditary neoplastic syndrome; Neoplastic Syndromes, Hereditary; Tumor predisposition; Hereditary Cancer Syndrome. Identifiers: Orphanet 140162, MedGen C0027672, MeSH D009386, MONDO:0015356.
Rhabdoid tumor predisposition syndrome 2 (RTPS2). Identifiers: Orphanet 231108, Orphanet 69077, MedGen C2750074, MONDO:0013224, OMIM 613325.

Allele frequency attached by ClinVar (database versions not stated): gnomAD 0.00001; gnomAD exomes 0.00001; TOPMed 0.00001.
gnomAD v4.1: 10 of 1,612,920 alleles (0.00062%); highest among the groups gnomAD compares: African/African-American, 0.0027%; no homozygotes.

Submissions (4):

Labcorp Genetics (formerly Invitae), Labcorp
Classification: Uncertain significance for Rhabdoid tumor predisposition syndrome 2. Last evaluated: 2024-11-24. Review status: criteria provided, single submitter. Criteria: Invitae Variant Classification Sherloc (09022015). Collection method: clinical testing. Allele origin: germline.
Comment: This sequence change replaces arginine, which is basic and polar, with tryptophan, which is neutral and slightly polar, at codon 359 of the SMARCA4 protein (p.Arg359Trp). This variant is not present in population databases (gnomAD no frequency). This variant has not been reported in the literature in individuals affected with SMARCA4-related conditions. ClinVar contains an entry for this variant (Variation ID: 470227). Invitae Evidence Modeling of protein sequence and biophysical properties (such as structural, functional, and spatial information, amino acid conservation, physicochemical variation, residue mobility, and thermodynamic stability) has been performed for this missense variant. However, the output from this modeling did not meet the statistical confidence thresholds required to predict the impact of this variant on SMARCA4 protein function. In summary, the available evidence is currently insufficient to determine the role of this variant in disease. Therefore, it has been classified as a Variant of Uncertain Significance.

Ambry Genetics
Classification: Likely benign for Hereditary cancer-predisposing syndrome. Last evaluated: 2023-06-22. Review status: criteria provided, single submitter. Criteria: Ambry Variant Classification Scheme 2023. Collection method: clinical testing. Allele origin: germline.

GeneDx
Classification: Uncertain significance. Last evaluated: 2023-04-03. Review status: criteria provided, single submitter. Criteria: GeneDx Variant Classification Process June 2021. Collection method: clinical testing. Allele origin: germline. Affected: yes.
Comment: Not observed at significant frequency in large population cohorts (gnomAD); In silico analysis supports that this missense variant has a deleterious effect on protein structure/function; Has not been previously published as pathogenic or benign to our knowledge

Genome-Nilou Lab
Classification: Uncertain significance for Intellectual disability, autosomal dominant 16. Last evaluated: 2021-07-15. Review status: criteria provided, single submitter. Criteria: ACMG Guidelines, 2015. Collection method: clinical testing. Allele origin: germline. Affected: no.

NM_003072.5(SMARCA4):c.1075C>T (p.Arg359Trp)

Gene: SMARCA4 (SWI/SNF related BAF chromatin remodeling complex subunit ATPase 4; plus strand). Cytogenetic location: 19p13.2.
Variant type: single nucleotide variant.
Coding change: c.1075C>T on transcript NM_003072.5 (MANE Select); coding-DNA position 1075, C replaced by T.
Protein change: p.Arg359Trp; replaces arginine 359 with tryptophan.
Molecular consequence: missense variant. On other transcripts: non-coding transcript variant (1).
Genome position (GRCh38, 1-based): chr19:10,987,881, C>T. VCF-style: chr19-10987881-C-T. GRCh37 (hg19) VCF-style: chr19-11098557-C-T.
Other names: c.1075C>T, p.Arg359Trp (NM_001128844.3, NM_001128845.2, NM_001128846.2 and 5 more transcripts); short protein forms R359W.
Identifiers: ClinVar variation 470227 (VCV000470227.16), dbSNP rs1213473194, ClinGen allele CA404058802.